The following is an entry in ClinVar:

ClinVar aggregate classification (germline): Uncertain significance. Review status: criteria provided, single submitter (1 of 4 stars). 2 submissions from 2 submitters: Uncertain significance (1). 1 of the submissions does not count toward it. Last evaluated 2023-11-20.

Conditions:
Cone-rod dystrophy 2 (CORD2). Also called: CONE-ROD RETINAL DYSTROPHY; Cone-rod retinal dystrophy 2. Identifiers: Orphanet 1872, MedGen C3489532, MONDO:0007362, OMIM 120970.
Leber congenital amaurosis 7 (LCA7). Identifiers: Orphanet 65, MedGen C3151192, MONDO:0013449, OMIM 613829.
Retinal dystrophy. Also called: Inherited retinal dystrophy. Identifiers: Orphanet 71862, MedGen C0854723, MeSH D058499, MONDO:0019118, HP:0000556.

Allele frequency attached by ClinVar (database versions not stated): gnomAD 0.00001; gnomAD exomes 0.00001 and 0.00004; TOPMed 0.00002; ExAC 0.00007; 1000 Genomes Project 30x 0.00016; 1000 Genomes Project 0.00020.
gnomAD v4.1: 22 of 1,614,122 alleles (0.0014%); highest among the groups gnomAD compares: South Asian, 0.0022%; no homozygotes.

Submissions (2):

Labcorp Genetics (formerly Invitae), Labcorp
Classification: Uncertain significance for Cone-rod dystrophy 2; Leber congenital amaurosis 7. Last evaluated: 2023-11-20. Review status: criteria provided, single submitter. Criteria: Invitae Variant Classification Sherloc (09022015). Collection method: clinical testing. Allele origin: germline.
Comment: This sequence change replaces proline, which is neutral and non-polar, with leucine, which is neutral and non-polar, at codon 7 of the CRX protein (p.Pro7Leu). This variant is present in population databases (rs558522333, gnomAD 0.01%). This variant has not been reported in the literature in individuals affected with CRX-related conditions. ClinVar contains an entry for this variant (Variation ID: 1450546). Advanced modeling of protein sequence and biophysical properties (such as structural, functional, and spatial information, amino acid conservation, physicochemical variation, residue mobility, and thermodynamic stability) performed at Invitae indicates that this missense variant is not expected to disrupt CRX protein function with a negative predictive value of 80%. In summary, the available evidence is currently insufficient to determine the role of this variant in disease. Therefore, it has been classified as a Variant of Uncertain Significance.

Institute of Human Genetics, Univ. Regensburg, Univ. Regensburg
Classification: Uncertain significance for Retinal dystrophy. Last evaluated: 2017-01-01. Review status: no assertion criteria provided. Criteria: ACMG Guidelines, 2015. Collection method: clinical testing. Allele origin: germline. Affected: yes. Not counted in ClinVar's aggregate classification.

NM_000554.6(CRX):c.20C>T (p.Pro7Leu)

Gene: CRX (cone-rod homeobox; plus strand). Cytogenetic location: 19q13.33.
Variant type: single nucleotide variant.
Coding change: c.20C>T on transcript NM_000554.6 (MANE Select); coding-DNA position 20, C replaced by T.
Protein change: p.Pro7Leu; replaces proline 7 with leucine.
Molecular consequence: missense variant.
Genome position (GRCh38, 1-based): chr19:47,834,463, C>T. VCF-style: chr19-47834463-C-T. GRCh37 (hg19) VCF-style: chr19-48337720-C-T.
Other names: short protein forms P7L.
Identifiers: ClinVar variation 1450546 (VCV001450546.9), dbSNP rs558522333, ClinGen allele CA9544364.